The following is an entry in ClinVar:

NM_003105.6(SORL1):c.1507C>T (p.Leu503Phe)

Gene: SORL1 (sortilin related receptor 1; plus strand). Cytogenetic location: 11q24.1.
Variant type: single nucleotide variant.
Coding change: c.1507C>T on transcript NM_003105.6 (MANE Select); coding-DNA position 1507, C replaced by T.
Protein change: p.Leu503Phe; replaces leucine 503 with phenylalanine.
Molecular consequence: missense variant.
Genome position (GRCh38, 1-based): chr11:121,522,688, C>T. VCF-style: chr11-121522688-C-T. GRCh37 (hg19) VCF-style: chr11-121393397-C-T.
Other names: short protein forms L503F.
Identifiers: ClinVar variation 1970712 (VCV001970712.5), dbSNP rs368229596, ClinGen allele CA229864757.

ClinVar aggregate classification (germline): Uncertain significance (1 of 4 stars; one submission).

gnomAD v4.1: 1 of 1,613,096 alleles (0.000062%); highest among the groups gnomAD compares: South Asian, 0.0011%; no homozygotes.

Submission:

Labcorp Genetics (formerly Invitae), Labcorp
Classification: Uncertain significance. Last evaluated: 2022-05-03. Review status: criteria provided, single submitter. Criteria: Invitae Variant Classification Sherloc (09022015). Collection method: clinical testing. Allele origin: germline.
Comment: This variant is present in population databases (no rsID available, gnomAD 0.01%). This sequence change replaces leucine, which is neutral and non-polar, with phenylalanine, which is neutral and non-polar, at codon 503 of the SORL1 protein (p.Leu503Phe). In summary, the available evidence is currently insufficient to determine the role of this variant in disease. Therefore, it has been classified as a Variant of Uncertain Significance. Algorithms developed to predict the effect of missense changes on protein structure and function are either unavailable or do not agree on the potential impact of this missense change (SIFT: "Deleterious"; PolyPhen-2: "Benign"; Align-GVGD: "Class C0"). This variant has not been reported in the literature in individuals affected with SORL1-related conditions.